The following is an entry in ClinVar:

NM_002547.3(OPHN1):c.1814C>T (p.Ser605Phe)

Gene: OPHN1 (oligophrenin 1; minus strand). Cytogenetic location: Xq12.
Variant type: single nucleotide variant.
Coding change: c.1814C>T on transcript NM_002547.3 (MANE Select); coding-DNA position 1814, C replaced by T.
Protein change: p.Ser605Phe; replaces serine 605 with phenylalanine.
Molecular consequence: missense variant.
Genome position (GRCh38, 1-based): chrX:68,073,172, G>A on the plus strand (C>T on the coding strand, the complement: OPHN1 is on the minus strand). VCF-style: chrX-68073172-G-A. GRCh37 (hg19) VCF-style: chrX-67293014-G-A.
Other names: short protein forms S605F.
Identifiers: ClinVar variation 376905 (VCV000376905.3), dbSNP rs779671497, ClinGen allele CA10436827.

ClinVar aggregate classification (germline): Uncertain significance (1 of 4 stars; one submission).

Allele frequency attached by ClinVar (database versions not stated): gnomAD exomes 0.00001; ExAC 0.00002.
gnomAD v4.1: 7 of 1,209,756 alleles (0.00058%); highest among the groups gnomAD compares: Non-Finnish European, 0.00078%; no homozygotes.

Submission:

Center for Pediatric Genomic Medicine, Children's Mercy Hospital and Clinics
Classification: Uncertain significance. Last evaluated: 2016-09-08. Review status: criteria provided, single submitter. Criteria: ACMG Guidelines, 2015. Collection method: clinical testing. Allele origin: germline.
ClinVar note: Converted during submission from Uncertain Significance to Uncertain significance.